The following is an entry in ClinVar:

NM_001042492.3(NF1):c.4558C>T (p.Gln1520Ter)

Gene: NF1 (neurofibromin 1; plus strand). Cytogenetic location: 17q11.2.
Variant type: single nucleotide variant.
Coding change: c.4558C>T on transcript NM_001042492.3 (MANE Select); coding-DNA position 4558, C replaced by T.
Protein change: p.Gln1520Ter; replaces glutamine 1520 with a stop codon.
Molecular consequence: nonsense.
Genome position (GRCh38, 1-based): chr17:31,260,496, C>T. VCF-style: chr17-31260496-C-T. GRCh37 (hg19) VCF-style: chr17-29587514-C-T.
Other names: c.4495C>T, p.Gln1499Ter (NM_000267.4); short protein forms Q1520*, Q1499*.
Identifiers: ClinVar variation 404417 (VCV000404417.15), dbSNP rs1060500242, ClinGen allele CA16615644.

ClinVar aggregate classification (germline): Pathogenic. Review status: criteria provided, multiple submitters, no conflicts (2 of 4 stars). 6 submissions from 6 submitters: Pathogenic (6). Last evaluated 2026-08-25.

Conditions:
NF1-related disorder. Also called: NF1-related condition. Identifiers: MedGen CN379171.
Hereditary cancer-predisposing syndrome. Also called: Neoplastic Syndromes, Hereditary; Hereditary Cancer Syndrome; Tumor predisposition; Hereditary neoplastic syndrome. Identifiers: Orphanet 140162, MedGen C0027672, MeSH D009386, MONDO:0015356.
Cardiovascular phenotype. Identifiers: MedGen CN230736.
Neurofibromatosis, type 1 (NF1). Also called: VON RECKLINGHAUSEN DISEASE; Neurofibromatosis, type I; NEUROFIBROMATOSIS, TYPE I, SOMATIC; Peripheral type neurofibromatosis. Identifiers: Orphanet 636, MedGen C0027831, MONDO:0018975, OMIM 162200. Disease mechanism: loss of function.

Submissions (6):

Ambry Genetics
Classification: Pathogenic for Cardiovascular phenotype; Hereditary cancer-predisposing syndrome. Last evaluated: 2026-08-25. Review status: criteria provided, single submitter. Criteria: Ambry Variant Classification Scheme 2023. Collection method: clinical testing. Allele origin: germline.
Comment: The p.Q1499* pathogenic mutation (also known as c.4495C>T), located in coding exon 33 of the NF1 gene, results from a C to T substitution at nucleotide position 4495. This changes the amino acid from a glutamine to a stop codon within coding exon 33. This variant was reported in individual(s) with features consistent with neurofibromatosis type 1 (Pasmant E et al. Eur J Hum Genet, 2015 May;23:596-601; Lee VC et al. Hong Kong Med J, 2016 Jun;22:289-91; Ambry internal data). This variant is considered to be rare based on population cohorts in the Genome Aggregation Database (gnomAD). This alteration is expected to result in loss of function by premature protein truncation or nonsense-mediated mRNA decay. As such, this alteration is interpreted as a disease-causing mutation.

Labcorp Genetics (formerly Invitae), Labcorp
Classification: Pathogenic for Neurofibromatosis, type 1. Last evaluated: 2024-10-18. Review status: criteria provided, single submitter. Criteria: Invitae Variant Classification Sherloc (09022015). Collection method: clinical testing. Allele origin: germline.
Comment: This sequence change creates a premature translational stop signal (p.Gln1499*) in the NF1 gene. It is expected to result in an absent or disrupted protein product. Loss-of-function variants in NF1 are known to be pathogenic (PMID: 10712197, 23913538). This variant is not present in population databases (gnomAD no frequency). This premature translational stop signal has been observed in individual(s) with neurofibromatosis, type 1 (PMID: 25074460, 27305697). ClinVar contains an entry for this variant (Variation ID: 404417). For these reasons, this variant has been classified as Pathogenic.

Genomic Medicine Center of Excellence, King Faisal Specialist Hospital and Research Centre
Classification: Pathogenic for Neurofibromatosis, type 1. Last evaluated: 2024-09-02. Review status: criteria provided, single submitter. Criteria: ACMG Guidelines, 2015. Collection method: clinical testing. Allele origin: germline.

Blueprint Genetics
Classification: Pathogenic for NF1-related disorders. Last evaluated: 2023-12-18. Review status: criteria provided, single submitter. Criteria: ACMG Guidelines, 2015. Collection method: clinical testing. Allele origin: germline. Affected: yes. Observed: 2 variant alleles.

Genome-Nilou Lab
Classification: Pathogenic for Neurofibromatosis, type 1. Last evaluated: 2022-03-15. Review status: criteria provided, single submitter. Criteria: ACMG Guidelines, 2015. Collection method: clinical testing. Allele origin: germline. Affected: no.

3billion
Classification: Pathogenic for Neurofibromatosis, type 1. Last evaluated: 2022-01-03. Review status: criteria provided, single submitter. Criteria: ACMG Guidelines, 2015. Collection method: clinical testing. Allele origin: germline. Affected: yes. Observed: 1 heterozygote.
Comment: Stop-gained (nonsense): predicted to result in a loss or disruption of normal protein function through nonsense-mediated decay (NMD) or protein truncation. Multiple pathogenic variants are reported downstream of the variant (PVS1_VS). It is not observed in the gnomAD v2.1.1 dataset (PM2_M). The variant has been reported at least twice as pathogenic/likely pathogenic with clinical assertions and evidence for the classification (ClinVar ID: VCV000404417, PMID:25074460).Therefore, this variant is classified as pathogenic according to the recommendation of ACMG/AMP guideline.

Literature cited by the submitters: PubMed 25074460 (cited by 3 submitters); PubMed 27305697 (cited by Ambry Genetics and Labcorp Genetics (formerly Invitae), Labcorp); PubMed 10712197 (cited by Labcorp Genetics (formerly Invitae), Labcorp); PubMed 23913538 (cited by Labcorp Genetics (formerly Invitae), Labcorp).